The following is an entry in ClinVar:

NM_000083.3(CLCN1):c.901A>C (p.Asn301His)

Gene: CLCN1 (chloride voltage-gated channel 1; plus strand). Cytogenetic location: 7q34.
Variant type: single nucleotide variant.
Coding change: c.901A>C on transcript NM_000083.3 (MANE Select); coding-DNA position 901, A replaced by C.
Protein change: p.Asn301His; replaces asparagine 301 with histidine.
Molecular consequence: missense variant. On other transcripts: non-coding transcript variant (1).
Genome position (GRCh38, 1-based): chr7:143,330,819, A>C. VCF-style: chr7-143330819-A-C. GRCh37 (hg19) VCF-style: chr7-143027912-A-C.
Other names: short protein forms N301H.
Identifiers: ClinVar variation 3773721 (VCV003773721.2).

ClinVar aggregate classification (germline): Uncertain significance (1 of 4 stars; one submission).

Conditions:
Congenital myotonia, autosomal dominant form (THD). Also called: THOMSEN DISEASE; Myotonia congenita autosomal dominant. Identifiers: Orphanet 614, MedGen C2936781, MONDO:0008055, OMIM 160800.

Submission:

Institute of Human Genetics, University of Leipzig Medical Center
Classification: Uncertain significance for Congenital myotonia, autosomal dominant form. Last evaluated: 2025-03-04. Review status: criteria provided, single submitter. Criteria: ACMG Guidelines, 2015. Collection method: clinical testing. Allele origin: unknown. Inheritance: Autosomal dominant inheritance. Affected: yes.
Comment: Criteria applied: PM1,PM2,PP3